The following is an entry in ClinVar:

ClinVar aggregate classification (germline): Uncertain significance (1 of 4 stars; one submission).

Conditions:
Early-infantile DEE. Also called: Ohtahara syndrome; Early infantile epileptic encephalopathy with suppression bursts; Early infantile epileptic encephalopathy. Identifiers: Orphanet 1934, MedGen C0393706, MONDO:0800491.

Allele frequency attached by ClinVar (database versions not stated): TOPMed below 0.00001; gnomAD exomes below 0.00001.
gnomAD v4.1: 2 of 1,613,954 alleles (0.00012%); highest among the groups gnomAD compares: Non-Finnish European, 0.00017%; no homozygotes.

Submission:

Labcorp Genetics (formerly Invitae), Labcorp
Classification: Uncertain significance for Early-infantile DEE. Last evaluated: 2019-03-05. Review status: criteria provided, single submitter. Criteria: Invitae Variant Classification Sherloc (09022015). Collection method: clinical testing. Allele origin: germline.
Comment: This sequence change replaces threonine with isoleucine at codon 368 of the CACNA2D2 protein (p.Thr368Ile). The threonine residue is moderately conserved and there is a moderate physicochemical difference between threonine and isoleucine. In summary, the available evidence is currently insufficient to determine the role of this variant in disease. Therefore, it has been classified as a Variant of Uncertain Significance. Algorithms developed to predict the effect of missense changes on protein structure and function are either unavailable or do not agree on the potential impact of this missense change (SIFT: "Deleterious"; PolyPhen-2: "Probably Damaging"; Align-GVGD: "Class C0"). This variant has not been reported in the literature in individuals with CACNA2D2-related conditions. This variant is not present in population databases (ExAC no frequency).

NM_006030.4(CACNA2D2):c.1103C>T (p.Thr368Ile)

Gene: CACNA2D2 (calcium voltage-gated channel auxiliary subunit alpha2delta 2; minus strand). Cytogenetic location: 3p21.31.
Variant type: single nucleotide variant.
Coding change: c.1103C>T on transcript NM_006030.4 (MANE Select); coding-DNA position 1103, C replaced by T.
Protein change: p.Thr368Ile; replaces threonine 368 with isoleucine.
Molecular consequence: missense variant.
Genome position (GRCh38, 1-based): chr3:50,379,481, G>A on the plus strand (C>T on the coding strand, the complement: CACNA2D2 is on the minus strand). VCF-style: chr3-50379481-G-A. GRCh37 (hg19) VCF-style: chr3-50416912-G-A.
Other names: c.1103C>T, p.Thr368Ile (NM_001005505.3, NM_001174051.3); c.896C>T, p.Thr299Ile (NM_001291101.1); short protein forms T368I, T299I.
Identifiers: ClinVar variation 845944 (VCV000845944.7), dbSNP rs1343864972, ClinGen allele CA352935666.
Genomic context (GRCh38, chr3:50,379,481, plus strand): 5'-ATGGGGCTCACGTTCTGCAGCTGGTCAAAGGCATACTCAAAGCCGGCCTTGTAGCCTGTG[G>A]TGCCCTTGGCCACCATGCCCTGCACAGCTTCCTTGAACACCTTCTTGTTGCGCACATTGG-3'
Protein context (NP_006021.2, residues 358-378): EAVQGMVAKG[Thr368Ile]TGYKAGFEYA